The following is an entry in ClinVar:

ClinVar aggregate classification (germline): Uncertain significance (1 of 4 stars; one submission).

Conditions:
Cardiovascular phenotype. Identifiers: MedGen CN230736.
Hereditary cancer-predisposing syndrome. Also called: Tumor predisposition; Neoplastic Syndromes, Hereditary; Hereditary Cancer Syndrome; Hereditary neoplastic syndrome. Identifiers: Orphanet 140162, MedGen C0027672, MeSH D009386, MONDO:0015356.

Submission:

Ambry Genetics
Classification: Uncertain significance for Cardiovascular phenotype; Hereditary cancer-predisposing syndrome. Last evaluated: 2024-12-20. Review status: criteria provided, single submitter. Criteria: Ambry Variant Classification Scheme 2023. Collection method: clinical testing. Allele origin: germline.
Comment: The p.M2761I variant (also known as c.8283G>A), located in coding exon 56 of the NF1 gene, results from a G to A substitution at nucleotide position 8283. The methionine at codon 2761 is replaced by isoleucine, an amino acid with highly similar properties. This amino acid position is conserved. In addition, this alteration is predicted to be tolerated by in silico analysis. Based on the available evidence, the clinical significance of this variant remains unclear.

NM_001042492.3(NF1):c.8346G>A (p.Met2782Ile)

Gene: NF1 (neurofibromin 1; plus strand). Cytogenetic location: 17q11.2.
Variant type: single nucleotide variant.
Coding change: c.8346G>A on transcript NM_001042492.3 (MANE Select); coding-DNA position 8346, G replaced by A.
Protein change: p.Met2782Ile; replaces methionine 2782 with isoleucine.
Molecular consequence: missense variant.
Genome position (GRCh38, 1-based): chr17:31,360,672, G>A. VCF-style: chr17-31360672-G-A. GRCh37 (hg19) VCF-style: chr17-29687690-G-A.
Other names: c.8283G>A, p.Met2761Ile (NM_000267.4); short protein forms M2761I, M2782I.
Identifiers: ClinVar variation 3879017 (VCV003879017.1).